The following is an entry in ClinVar:

NM_003722.5(TP63):c.646A>T (p.Met216Leu)

Gene: TP63 (tumor protein p63; plus strand). Cytogenetic location: 3q28.
Variant type: single nucleotide variant.
Coding change: c.646A>T on transcript NM_003722.5 (MANE Select); coding-DNA position 646, A replaced by T.
Protein change: p.Met216Leu; replaces methionine 216 with leucine.
Molecular consequence: missense variant.
Genome position (GRCh38, 1-based): chr3:189,864,298, A>T. VCF-style: chr3-189864298-A-T. GRCh37 (hg19) VCF-style: chr3-189582087-A-T.
Other names: c.646A>T, p.Met216Leu (NM_001114978.2, NM_001114979.2, NM_001329144.2 and 1 more transcripts); c.364A>T, p.Met122Leu (NM_001114980.2, NM_001114981.2, NM_001114982.2 and 2 more transcripts); c.109A>T, p.Met37Leu (NM_001329146.2, NM_001329150.2); c.640A>T, p.Met214Leu (NM_001329964.2); short protein forms M37L, M216L, M122L, M214L.
Identifiers: ClinVar variation 4985906 (VCV004985906.1).
Genomic context (GRCh38, chr3:189,864,298, plus strand): 5'-ACTGAACTGAAGAAACTCTACTGCCAAATTGCAAAGACATGCCCCATCCAGATCAAGGTG[A>T]TGACCCCACCTCCTCAGGGAGCTGTTATCCGCGCCATGCCTGTCTACAAAAAAGCTGAGC-3'
Protein context (NP_003713.3, residues 206-226): AKTCPIQIKV[Met216Leu]TPPPQGAVIR

ClinVar aggregate classification (germline): Uncertain significance (1 of 4 stars; one submission).

Conditions:
TP63-related disorder. Also called: TP63-related condition; TP63-Related Disorders. Identifiers: MedGen CN380159.

gnomAD v4.1: 3 of 1,614,212 alleles (0.00019%); highest among the groups gnomAD compares: Non-Finnish European, 0.00025%; no homozygotes.

Submission:

PreventionGenetics, part of Exact Sciences
Classification: Uncertain significance for TP63-related condition. Last evaluated: 2026-09-23. Review status: criteria provided, single submitter. Criteria: ACMG Guidelines, 2015. Collection method: clinical testing. Allele origin: germline.
Comment: The TP63 c.646A>T variant is predicted to result in the amino acid substitution p.Met216Leu. To our knowledge, this variant has not been reported in the literature. This variant is reported in 0.0026% of alleles in individuals of European (Non-Finnish) descent in gnomAD. At this time, the clinical significance of this variant is uncertain due to the absence of conclusive functional and genetic evidence.